The following is an entry in ClinVar:

NM_001042492.3(NF1):c.4980_4981insTT (p.Lys1661fs)

Gene: NF1 (neurofibromin 1; plus strand). Cytogenetic location: 17q11.2.
Variant type: Insertion.
Coding change: c.4980_4981insTT on transcript NM_001042492.3 (MANE Select); coding-DNA positions 4980 to 4981, TT inserted.
Protein change: p.Lys1661fs; shifts the reading frame from lysine 1661.
Molecular consequence: frameshift variant.
Genome position: GRCh38 VCF-style: chr17-31325963-C-CTT. GRCh37 (hg19) VCF-style: chr17-29652981-C-CTT.
Other names: c.4917_4918insTT, p.Lys1640Leufs (NM_000267.4); short protein forms K1640fs, K1661fs.
Identifiers: ClinVar variation 965959 (VCV000965959.8), dbSNP rs2069329774, ClinGen allele CA1139665381.

ClinVar aggregate classification (germline): Pathogenic. Review status: criteria provided, multiple submitters, no conflicts (2 of 4 stars). 2 submissions from 2 submitters: Pathogenic (2). Last evaluated 2019-11-11.

Conditions:
Juvenile myelomonocytic leukemia (JMML). Also called: LEUKEMIA, JUVENILE MYELOMONOCYTIC, SOMATIC. Identifiers: Orphanet 86834, MedGen C0349639, MONDO:0011908, OMIM 607785, HP:0012209.
Neurofibromatosis, familial spinal (FSNF). Identifiers: Orphanet 636, MedGen C1834235, MONDO:0008078, OMIM 162210. Disease mechanism: loss of function.
Neurofibromatosis, type 1 (NF1). Also called: Neurofibromatosis, type I; Peripheral type neurofibromatosis; VON RECKLINGHAUSEN DISEASE; NEUROFIBROMATOSIS, TYPE I, SOMATIC. Identifiers: Orphanet 636, MedGen C0027831, MONDO:0018975, OMIM 162200. Disease mechanism: loss of function.
Neurofibromatosis-Noonan syndrome (NFNS). Also called: NEUROFIBROMATOSIS WITH NOONAN PHENOTYPE. Identifiers: Orphanet 638, MedGen C2931482, MONDO:0011035, OMIM 601321. Disease mechanism: loss of function.
Café-au-lait macules with pulmonary stenosis (WTSN). Also called: PULMONIC STENOSIS WITH CAFE-AU-LAIT SPOTS. Identifiers: MedGen C0553586, MONDO:0008672, OMIM 193520.

Allele frequency attached by ClinVar (database versions not stated): TOPMed below 0.00001.

Submissions (2):

Labcorp Genetics (formerly Invitae), Labcorp
Classification: Pathogenic for Neurofibromatosis, type 1. Last evaluated: 2019-11-11. Review status: criteria provided, single submitter. Criteria: Invitae Variant Classification Sherloc (09022015). Collection method: clinical testing. Allele origin: germline.
Comment: For these reasons, this variant has been classified as Pathogenic. Loss-of-function variants in NF1 are known to be pathogenic (PMID: 10712197, 23913538). This variant has not been reported in the literature in individuals with NF1-related conditions. This variant is not present in population databases (ExAC no frequency). This sequence change creates a premature translational stop signal (p.Lys1640Leufs*38) in the NF1 gene. It is expected to result in an absent or disrupted protein product.

Juno Genomics, Hangzhou Juno Genomics, Inc
Classification: Pathogenic for Juvenile myelomonocytic leukemia; Neurofibromatosis, familial spinal; Neurofibromatosis, type 1; Neurofibromatosis-Noonan syndrome; Café-au-lait macules with pulmonary stenosis. Review status: criteria provided, single submitter. Criteria: ACMG Guidelines, 2015. Collection method: clinical testing. Allele origin: germline. Affected: yes.
Comment: Null variant in a gene where loss of function (LOF) is a known mechanism of disease.;Absent from controls (or at extremely low frequency if recessive) in Genome Aggregation Database, Exome Sequencing Project, 1000 Genomes Project, or Exome Aggregation Consortium.;Assumed de novo, but without confirmation of paternity and maternity.

Literature cited by the submitters: PubMed 10712197 (cited by Labcorp Genetics (formerly Invitae), Labcorp); PubMed 23913538 (cited by Labcorp Genetics (formerly Invitae), Labcorp).